The following is an entry in ClinVar:

ClinVar aggregate classification (germline): Uncertain significance. Review status: criteria provided, single submitter (1 of 4 stars). 2 submissions from 2 submitters: Uncertain significance (1). 1 of the submissions does not count toward it. Last evaluated 2018-01-24.

Conditions:
Charcot-Marie-Tooth disease. Also called: Charcot-Marie-Tooth Neuropathy; Charcot-Marie-Tooth Hereditary Neuropathy. Identifiers: Orphanet 166, MedGen C0007959, MONDO:0015626.
Charcot-Marie-Tooth disease type 2. Also called: Charcot-Marie-Tooth type 2. Identifiers: Orphanet 64746, MedGen C0270914, MONDO:0018993.

Allele frequency attached by ClinVar (database versions not stated): gnomAD exomes 0.00001.
gnomAD v4.1: 6 of 1,614,118 alleles (0.00037%); highest among the groups gnomAD compares: East Asian, 0.013%; no homozygotes.

Submissions (2):

Labcorp Genetics (formerly Invitae), Labcorp
Classification: Uncertain significance for Charcot-Marie-Tooth disease type 2. Last evaluated: 2018-01-24. Review status: criteria provided, single submitter. Criteria: Invitae Variant Classification Sherloc (09022015). Collection method: clinical testing. Allele origin: germline.
Comment: Algorithms developed to predict the effect of missense changes on protein structure and function do not agree on the potential impact of this missense change (SIFT: "Deleterious"; PolyPhen-2: "Benign"; Align-GVGD: "Class C0"). This variant has been reported in an individual affected with Charcot-Marie-Tooth Disease type 2A (PMID: 15549395). This variant is not present in population databases (ExAC no frequency). This sequence change replaces glutamic acid with glycine at codon 424 of the MFN2 protein (p.Glu424Gly). The glutamic acid residue is highly conserved and there is a moderate physicochemical difference between glutamic acid and glycine. In summary, the available evidence is currently insufficient to determine the role of this variant in disease. Therefore, it has been classified as a Variant of Uncertain Significance.

Inherited Neuropathy Consortium
Classification: Uncertain significance for Charcot-Marie-Tooth disease. Review status: no assertion criteria provided. Collection method: literature only. Allele origin: germline. Affected: yes. Not counted in ClinVar's aggregate classification.

Literature cited by the submitters: PubMed 15549395 (cited by Labcorp Genetics (formerly Invitae), Labcorp and Inherited Neuropathy Consortium).

NM_014874.4(MFN2):c.1271A>G (p.Glu424Gly)

Gene: MFN2 (mitofusin 2; plus strand). Cytogenetic location: 1p36.22.
Variant type: single nucleotide variant.
Coding change: c.1271A>G on transcript NM_014874.4 (MANE Select); coding-DNA position 1271, A replaced by G.
Protein change: p.Glu424Gly; replaces glutamic acid 424 with glycine.
Molecular consequence: missense variant.
Genome position (GRCh38, 1-based): chr1:12,004,102, A>G. VCF-style: chr1-12004102-A-G. GRCh37 (hg19) VCF-style: chr1-12064159-A-G.
Other names: c.1271A>G, p.Glu424Gly (NM_001127660.2); short protein forms E424G.
Identifiers: ClinVar variation 571365 (VCV000571365.9), dbSNP rs1557530247, ClinGen allele CA338445474.
Genomic context (GRCh38, chr1:12,004,102, plus strand): 5'-TTGACAAACAGCTGGAGCTCTTGGCTCAAGACTATAAGCTGCGAATTAAGCAGATTACGG[A>G]GGAAGTGGAGAGGCAGGTGAGAAATGAGGAGGAGGCATTCTGGGAAGATTTGGACTCCGA-3'
Protein context (NP_055689.1, residues 414-434): DYKLRIKQIT[Glu424Gly]EVERQVSTAM